The following is an entry in ClinVar:

NM_005051.3(QARS1):c.209C>T (p.Ser70Phe)

Gene: QARS1 (glutaminyl-tRNA synthetase 1; minus strand). Cytogenetic location: 3p21.31.
Variant type: single nucleotide variant.
Coding change: c.209C>T on transcript NM_005051.3 (MANE Select); coding-DNA position 209, C replaced by T.
Protein change: p.Ser70Phe; replaces serine 70 with phenylalanine.
Molecular consequence: missense variant. On other transcripts: non-coding transcript variant (1).
Genome position (GRCh38, 1-based): chr3:49,104,380, G>A on the plus strand (C>T on the coding strand, the complement: QARS1 is on the minus strand). VCF-style: chr3-49104380-G-A. GRCh37 (hg19) VCF-style: chr3-49141813-G-A.
Other names: c.209C>T, p.Ser70Phe (NM_001272073.2); short protein forms S70F.
Identifiers: ClinVar variation 952833 (VCV000952833.6), dbSNP rs748894610, ClinGen allele CA2392274.
Genomic context (GRCh38, chr3:49,104,380, plus strand): 5'-TCACCGCTTAGCTGGGGCTCAGTGTGGATCTTCTTACTGGCTATGTAGCTTACAAGGAAG[G>A]AGAGACGCCGGGTATCCCTGAGTCGGGAGGCCAAGCCATATAACAGGATCCCGGTAGCTT-3'
Protein context (NP_005042.1, residues 60-80): ASRLRDTRRL[Ser70Phe]FLVSYIASKK

ClinVar aggregate classification (germline): Uncertain significance (1 of 4 stars; one submission).

Conditions:
Diffuse cerebral and cerebellar atrophy - intractable seizures - progressive microcephaly syndrome. Also called: Microcephaly, progressive, with seizures and cerebral and cerebellar atrophy. Identifiers: Orphanet 404437, MedGen C4014239, MONDO:0014335, OMIM 615760.

Allele frequency attached by ClinVar (database versions not stated): TOPMed below 0.00001; ExAC 0.00001; gnomAD exomes below 0.00001.

Submission:

Labcorp Genetics (formerly Invitae), Labcorp
Classification: Uncertain significance for Diffuse cerebral and cerebellar atrophy - intractable seizures - progressive microcephaly syndrome. Last evaluated: 2020-03-04. Review status: criteria provided, single submitter. Criteria: Invitae Variant Classification Sherloc (09022015). Collection method: clinical testing. Allele origin: germline.
Comment: This variant has not been reported in the literature in individuals with QARS-related conditions. This variant is present in population databases (rs748894610, ExAC 0.006%). This sequence change replaces serine with phenylalanine at codon 70 of the QARS protein (p.Ser70Phe). The serine residue is weakly conserved and there is a large physicochemical difference between serine and phenylalanine. Algorithms developed to predict the effect of missense changes on protein structure and function are either unavailable or do not agree on the potential impact of this missense change (SIFT: "Deleterious"; PolyPhen-2: "Benign"; Align-GVGD: "Class C0"). In summary, the available evidence is currently insufficient to determine the role of this variant in disease. Therefore, it has been classified as a Variant of Uncertain Significance.